The following is an entry in ClinVar:

ClinVar aggregate classification (germline): Likely benign (1 of 4 stars; one submission).

Allele frequency attached by ClinVar (database versions not stated): gnomAD 0.00001.

Submission:

GeneDx
Classification: Likely benign. Last evaluated: 2017-08-02. Review status: criteria provided, single submitter. Criteria: GeneDx Variant Classification (06012015). Collection method: clinical testing. Allele origin: germline. Affected: yes.
Comment: This variant is considered likely benign or benign based on one or more of the following criteria: it is a conservative change, it occurs at a poorly conserved position in the protein, it is predicted to be benign by multiple in silico algorithms, and/or has population frequency not consistent with disease.

NM_018444.4(PDP1):c.-45+155C>T

Genes: PDP1 (pyruvate dehydrogenase phosphatase catalytic subunit 1; plus strand), LOC130000735 (ATAC-STARR-seq lymphoblastoid silent region 19361; plus strand). Cytogenetic location: 8q22.1.
Variant type: single nucleotide variant.
Coding change: c.-45+155C>T on transcript NM_018444.4 (MANE Select); 155 bases into the intron after 45 bases upstream of the start codon, C replaced by T.
Molecular consequence: intron variant.
Genome position (GRCh38, 1-based): chr8:93,917,234, C>T. VCF-style: chr8-93917234-C-T. GRCh37 (hg19) VCF-style: chr8-94929462-C-T.
Other names: c.-5+16C>T (NM_001161779.2); c.-45+16C>T (NM_001161781.2); c.-5+155C>T (NM_001161780.2).
Identifiers: ClinVar variation 510887 (VCV000510887.1), dbSNP rs1554571908, ClinGen allele CA658797127.